The following is an entry in ClinVar:

NM_000433.4(NCF2):c.1460T>C (p.Leu487Ser)

Gene: NCF2 (neutrophil cytosolic factor 2; minus strand). Cytogenetic location: 1q25.3.
Variant type: single nucleotide variant.
Coding change: c.1460T>C on transcript NM_000433.4 (MANE Select); coding-DNA position 1460, T replaced by C.
Protein change: p.Leu487Ser; replaces leucine 487 with serine.
Molecular consequence: missense variant.
Genome position (GRCh38, 1-based): chr1:183,560,104, A>G on the plus strand (T>C on the coding strand, the complement: NCF2 is on the minus strand). VCF-style: chr1-183560104-A-G. GRCh37 (hg19) VCF-style: chr1-183529239-A-G.
Other names: c.1460T>C, p.Leu487Ser (NM_001127651.3); c.1217T>C, p.Leu406Ser (NM_001190789.2); c.1325T>C, p.Leu442Ser (NM_001190794.2); short protein forms L406S, L442S, L487S.
Identifiers: ClinVar variation 1001096 (VCV001001096.6), dbSNP rs896210830, ClinGen allele CA34019747.

ClinVar aggregate classification (germline): Uncertain significance (1 of 4 stars; one submission).

Conditions:
Granulomatous disease, chronic, autosomal recessive, cytochrome b-positive, type 2. Also called: GRANULOMATOUS DISEASE, CHRONIC, AUTOSOMAL RECESSIVE, 2; GRANULOMATOUS DISEASE, CHRONIC, DUE TO NCF2 DEFICIENCY; Chronic granulomatous disease due to deficiency of NCF-2; Chronic Granulomatous Disease, Autosomal Recessive, Cytochrome b-Positive, Type II; CGD, AUTOSOMAL RECESSIVE CYTOCHROME b-POSITIVE, TYPE II. Identifiers: Orphanet 379, MedGen C1856245, MONDO:0009310, OMIM 233710.

Allele frequency attached by ClinVar (database versions not stated): gnomAD exomes below 0.00001 and 0.00001; gnomAD 0.00001; TOPMed 0.00001.

Submission:

Labcorp Genetics (formerly Invitae), Labcorp
Classification: Uncertain significance for Granulomatous disease, chronic, autosomal recessive, cytochrome b-positive, type 2. Last evaluated: 2021-09-01. Review status: criteria provided, single submitter. Criteria: Invitae Variant Classification Sherloc (09022015). Collection method: clinical testing. Allele origin: germline.
Comment: This sequence change replaces leucine with serine at codon 487 of the NCF2 protein (p.Leu487Ser). The leucine residue is highly conserved and there is a large physicochemical difference between leucine and serine. This variant is not present in population databases (ExAC no frequency). This variant has not been reported in the literature in individuals affected with NCF2-related conditions. Algorithms developed to predict the effect of missense changes on protein structure and function (SIFT, PolyPhen-2, Align-GVGD) all suggest that this variant is likely to be disruptive. In summary, the available evidence is currently insufficient to determine the role of this variant in disease. Therefore, it has been classified as a Variant of Uncertain Significance.